The following is an entry in ClinVar:

NM_003482.4(KMT2D):c.12752C>T (p.Ser4251Phe)

Gene: KMT2D (lysine methyltransferase 2D; minus strand). Cytogenetic location: 12q13.12.
Variant type: single nucleotide variant.
Coding change: c.12752C>T on transcript NM_003482.4 (MANE Select); coding-DNA position 12752, C replaced by T.
Protein change: p.Ser4251Phe; replaces serine 4251 with phenylalanine.
Molecular consequence: missense variant.
Genome position (GRCh38, 1-based): chr12:49,031,953, G>A on the plus strand (C>T on the coding strand, the complement: KMT2D is on the minus strand). VCF-style: chr12-49031953-G-A. GRCh37 (hg19) VCF-style: chr12-49425736-G-A.
Other names: short protein forms S4251F.
Identifiers: ClinVar variation 3627207 (VCV003627207.4).
Genomic context (GRCh38, chr12:49,031,953, plus strand): 5'-GTCTGTGGTCCAGGGAAGCCCCCAAGTTGAGGTTGGCAGCCCAGGAGGCCCTGGAGGGGA[G>A]AGGTCTGGGTCCCAGGCTCCTGGTAGGGTGGGGTCTGGCGTACTGCCTGACTCTGCTGCA-3'
Protein context (NP_003473.3, residues 4241-4261): PPYQEPGTQT[Ser4251Phe]PLQGLLGCQP

ClinVar aggregate classification (germline): Conflicting classifications of pathogenicity. Review status: criteria provided, conflicting classifications (1 of 4 stars). 2 submissions from 2 submitters: Uncertain significance (1); Benign (1). Last evaluated 2024-11-18.

Conditions:
Kabuki syndrome. Also called: NIIKAWA-KUROKI SYNDROME; Kabuki make-up syndrome. Identifiers: Orphanet 2322, MedGen C0796004, MONDO:0016512.

gnomAD v4.1: 4 of 1,553,966 alleles (0.00026%); highest among the groups gnomAD compares: East Asian, 0.0068%; no homozygotes.

Submissions (2):

Dasa
Classification: Uncertain significance. Last evaluated: 2024-11-18. Review status: criteria provided, single submitter. Criteria: DASA Assertion Criteria. Collection method: clinical testing. Allele origin: germline.
Comment: NM_003482.4(KMT2D):c.12752C>T (p.Ser4251Phe) is a missense variant that results in the substitution of serine with phenylalanine. This variant is rare in population databases. The currently available literature and clinical evidence are not sufficient to establish a definitive association between this variant and the reported condition. Therefore, this variant is classified as a variant of uncertain significance.

Labcorp Genetics (formerly Invitae), Labcorp
Classification: Benign for Kabuki syndrome. Last evaluated: 2024-10-17. Review status: criteria provided, single submitter. Criteria: Invitae Variant Classification Sherloc (09022015). Collection method: clinical testing. Allele origin: germline.